The following is an entry in ClinVar:

NM_024079.5(ALG8):c.1012C>T (p.Leu338Phe)

Gene: ALG8 (ALG8 alpha-1,3-glucosyltransferase; minus strand). Cytogenetic location: 11q14.1.
Variant type: single nucleotide variant.
Coding change: c.1012C>T on transcript NM_024079.5 (MANE Select); coding-DNA position 1012, C replaced by T.
Protein change: p.Leu338Phe; replaces leucine 338 with phenylalanine.
Molecular consequence: missense variant. On other transcripts: non-coding transcript variant (2), intron variant (7).
Genome position (GRCh38, 1-based): chr11:78,109,468, G>A on the plus strand (C>T on the coding strand, the complement: ALG8 is on the minus strand). VCF-style: chr11-78109468-G-A. GRCh37 (hg19) VCF-style: chr11-77820514-G-A.
Other names: c.1012C>T, p.Leu338Phe (NM_001007027.3, NM_001425222.1, NM_001425225.1 and 4 more transcripts); c.1015C>T, p.Leu339Phe (NM_001425219.1); c.997C>T, p.Leu333Phe (NM_001425220.1); c.971C>T, p.Pro324Leu (NM_001425221.1); c.1006C>T, p.Leu336Phe (NM_001425223.1); c.1105C>T, p.Leu369Phe (NM_001425224.1); c.859C>T, p.Leu287Phe (NM_001425226.1, NM_001425236.1); c.811C>T, p.Leu271Phe (NM_001425231.1); and 9 more; short protein forms L153F, L166F, L250F, L271F, L287F, L333F, L336F, L338F.
Identifiers: ClinVar variation 4822525 (VCV004822525.4).
Genomic context (GRCh38, chr11:78,109,468, plus strand): 5'-CTCAAGAAATGAGCACCATCTGTTGAGTTCTTACCAATATGGCAATCAGTGTGCAGATGA[G>A]GGTTGCCAAGGGAGTCACTGAGGGAAGGACTGTGTGTTGGAACTGCTGAACCAAACCACT-3'
Protein context (NP_076984.2, residues 328-348): VLPSVTPLAT[Leu338Phe]ICTLIAILPS

ClinVar aggregate classification (germline): Uncertain significance (1 of 4 stars; one submission).

gnomAD v4.1: 1 of 1,614,164 alleles (0.000062%); highest among the groups gnomAD compares: Admixed American, 0.0017%; no homozygotes.

Submission:

CeGaT Center for Human Genetics Tuebingen
Classification: Uncertain significance. Last evaluated: 2026-02-01. Review status: criteria provided, single submitter. Criteria: CeGaT Center For Human Genetics Tuebingen Variant Classification Criteria Version 2. Collection method: clinical testing. Allele origin: germline. Affected: yes. Observed: 1 variant allele.
Comment: ALG8: PM2, BP4